The following is an entry in ClinVar:

ClinVar aggregate classification (germline): Uncertain significance. Review status: criteria provided, multiple submitters, no conflicts (2 of 4 stars). 3 submissions from 3 submitters: Uncertain significance (3). Last evaluated 2025-08-04.

Conditions:
Inborn genetic diseases. Identifiers: MedGen C0950123, MeSH D030342.
Baller-Gerold syndrome (BGS). Also called: CRANIOSYNOSTOSIS WITH RADIAL DEFECTS. Identifiers: Orphanet 1225, MedGen C0265308, MONDO:0009039, OMIM 218600.

Allele frequency attached by ClinVar (database versions not stated): ExAC 0.00001; TOPMed 0.00003; ESP Exome Variant Server 0.00008.
gnomAD v4.1: 7 of 1,611,562 alleles (0.00043%); highest among the groups gnomAD compares: African/African-American, 0.0053%; no homozygotes.

Submissions (3):

Ambry Genetics
Classification: Uncertain significance for Inborn genetic diseases. Last evaluated: 2025-08-04. Review status: criteria provided, single submitter. Criteria: Ambry Variant Classification Scheme 2023. Collection method: clinical testing. Allele origin: germline.
Comment: The p.S89N variant (also known as c.266G>A), located in coding exon 4 of the RECQL4 gene, results from a G to A substitution at nucleotide position 266. The serine at codon 89 is replaced by asparagine, an amino acid with highly similar properties. This amino acid position is conserved. In addition, this alteration is predicted to be tolerated by in silico analysis. Based on the available evidence, the clinical significance of this variant remains unclear.

Women's Health and Genetics/Laboratory Corporation of America, LabCorp
Classification: Uncertain significance. Last evaluated: 2023-08-16. Review status: criteria provided, single submitter. Criteria: LabCorp Variant Classification Summary - May 2015. Collection method: clinical testing. Allele origin: germline.
Comment: Variant summary: RECQL4 c.266G>A (p.Ser89Asn) results in a conservative amino acid change in the encoded protein sequence. Three of three in-silico tools predict a benign effect of the variant on protein function. The variant allele was found at a frequency of 4.1e-06 in 243664 control chromosomes (gnomAD). The available data on variant occurrences in the general population are insufficient to allow any conclusion about variant significance. To our knowledge, no occurrence of c.266G>A in individuals affected with RECQL4-Related Disorders and no experimental evidence demonstrating its impact on protein function have been reported. One submitter has cited clinical-significance assessments for this variant to ClinVar after 2014 and has classified the variant as uncertain significance. Based on the evidence outlined above, the variant was classified as uncertain significance.

Labcorp Genetics (formerly Invitae), Labcorp
Classification: Uncertain significance for Baller-Gerold syndrome. Last evaluated: 2023-02-22. Review status: criteria provided, single submitter. Criteria: Invitae Variant Classification Sherloc (09022015). Collection method: clinical testing. Allele origin: germline.
Comment: ClinVar contains an entry for this variant (Variation ID: 940424). This variant has not been reported in the literature in individuals affected with RECQL4-related conditions. This variant is present in population databases (rs372648595, gnomAD 0.0008%). This sequence change replaces serine, which is neutral and polar, with asparagine, which is neutral and polar, at codon 89 of the RECQL4 protein (p.Ser89Asn). Advanced modeling of protein sequence and biophysical properties (such as structural, functional, and spatial information, amino acid conservation, physicochemical variation, residue mobility, and thermodynamic stability) performed at Invitae indicates that this missense variant is not expected to disrupt RECQL4 protein function. In summary, the available evidence is currently insufficient to determine the role of this variant in disease. Therefore, it has been classified as a Variant of Uncertain Significance.

NM_004260.4(RECQL4):c.266G>A (p.Ser89Asn)

Gene: RECQL4 (RecQ like helicase 4; minus strand). Cytogenetic location: 8q24.3.
Variant type: single nucleotide variant.
Coding change: c.266G>A on transcript NM_004260.4 (MANE Select); coding-DNA position 266, G replaced by A.
Protein change: p.Ser89Asn; replaces serine 89 with asparagine.
Molecular consequence: missense variant.
Genome position (GRCh38, 1-based): chr8:144,517,138, C>T on the plus strand (G>A on the coding strand, the complement: RECQL4 is on the minus strand). VCF-style: chr8-144517138-C-T. GRCh37 (hg19) VCF-style: chr8-145742522-C-T.
Other names: short protein forms S89N.
Identifiers: ClinVar variation 940424 (VCV000940424.8), dbSNP rs372648595, ClinGen allele CA4949404.